The following is an entry in ClinVar:

ClinVar aggregate classification (germline): Uncertain significance. Review status: criteria provided, multiple submitters, no conflicts (2 of 4 stars). 2 submissions from 2 submitters: Uncertain significance (2). Last evaluated 2024-01-19.

Conditions:
Hereditary cancer-predisposing syndrome. Also called: Neoplastic Syndromes, Hereditary; Tumor predisposition; Hereditary Cancer Syndrome; Hereditary neoplastic syndrome. Identifiers: Orphanet 140162, MedGen C0027672, MeSH D009386, MONDO:0015356.
Familial cancer of breast. Also called: hereditary breast carcinoma; BREAST CANCER, FAMILIAL; Hereditary breast cancer. Identifiers: Orphanet 227535, MedGen C0346153, MONDO:0016419, OMIM 114480. Disease mechanism: loss of function.

Submissions (2):

Baylor Genetics
Classification: Uncertain significance for Familial cancer of breast. Last evaluated: 2024-01-19. Review status: criteria provided, single submitter. Criteria: ACMG Guidelines, 2015. Collection method: clinical testing. Allele origin: unknown.

Ambry Genetics
Classification: Uncertain significance for Hereditary cancer-predisposing syndrome. Last evaluated: 2022-09-26. Review status: criteria provided, single submitter. Criteria: Ambry Variant Classification Scheme 2023. Collection method: clinical testing. Allele origin: germline.
Comment: The p.V271I variant (also known as c.811G>A), located in coding exon 6 of the CDH1 gene, results from a G to A substitution at nucleotide position 811. The valine at codon 271 is replaced by isoleucine, an amino acid with highly similar properties. This amino acid position is well conserved in available vertebrate species. In addition, this alteration is predicted to be tolerated by in silico analysis. Since supporting evidence is limited at this time, the clinical significance of this alteration remains unclear.

NM_004360.5(CDH1):c.811G>A (p.Val271Ile)

Gene: CDH1 (cadherin 1; plus strand). Cytogenetic location: 16q22.1.
Variant type: single nucleotide variant.
Coding change: c.811G>A on transcript NM_004360.5 (MANE Select); coding-DNA position 811, G replaced by A.
Protein change: p.Val271Ile; replaces valine 271 with isoleucine.
Molecular consequence: missense variant. On other transcripts: 5 prime UTR variant (2).
Genome position (GRCh38, 1-based): chr16:68,810,320, G>A. VCF-style: chr16-68810320-G-A. GRCh37 (hg19) VCF-style: chr16-68844223-G-A.
Other names: c.811G>A, p.Val271Ile (NM_001317184.2); c.-805G>A (NM_001317185.2); c.-1009G>A (NM_001317186.2); short protein forms V271I.
Identifiers: ClinVar variation 1762081 (VCV001762081.3), dbSNP rs2152131174, ClinGen allele CA396458902.
Genomic context (GRCh38, chr16:68,810,320, plus strand): 5'-ACGGTAACCGATCAGAATGACAACAAGCCCGAATTCACCCAGGAGGTCTTTAAGGGGTCT[G>A]TCATGGAAGGTGCTCTTCCAGGTATATCCACTAATGAGAATCTGAATACTCAGAAAGACT-3'
Protein context (NP_004351.1, residues 261-281): EFTQEVFKGS[Val271Ile]MEGALPGTSV